The following is an entry in ClinVar:

ClinVar aggregate classification (germline): Uncertain significance (1 of 4 stars; one submission).

Submission:

Labcorp Genetics (formerly Invitae), Labcorp
Classification: Uncertain significance. Last evaluated: 2025-11-24. Review status: criteria provided, single submitter. Criteria: Invitae Variant Classification Sherloc (09022015). Collection method: clinical testing. Allele origin: germline.
Comment: This sequence change replaces proline, which is neutral and non-polar, with threonine, which is neutral and polar, at codon 680 of the POLR1A protein (p.Pro680Thr). This variant is not present in population databases (gnomAD no frequency). This variant has not been reported in the literature in individuals affected with POLR1A-related conditions. Invitae Evidence Modeling of protein sequence and biophysical properties (such as structural, functional, and spatial information, amino acid conservation, physicochemical variation, residue mobility, and thermodynamic stability) indicates that this missense variant is not expected to disrupt POLR1A protein function with a negative predictive value of 80%. In summary, the available evidence is currently insufficient to determine the role of this variant in disease. Therefore, it has been classified as a Variant of Uncertain Significance.

NM_015425.6(POLR1A):c.2038C>A (p.Pro680Thr)

Gene: POLR1A (RNA polymerase I subunit A; minus strand). Cytogenetic location: 2p11.2.
Variant type: single nucleotide variant.
Coding change: c.2038C>A on transcript NM_015425.6 (MANE Select); coding-DNA position 2038, C replaced by A.
Protein change: p.Pro680Thr; replaces proline 680 with threonine.
Molecular consequence: missense variant.
Genome position (GRCh38, 1-based): chr2:86,065,294, G>T on the plus strand (C>A on the coding strand, the complement: POLR1A is on the minus strand). VCF-style: chr2-86065294-G-T. GRCh37 (hg19) VCF-style: chr2-86292417-G-T.
Other names: short protein forms P680T.
Identifiers: ClinVar variation 4809117 (VCV004809117.1).
Genomic context (GRCh38, chr2:86,065,294, plus strand): 5'-TTCCTTTTGTTACATACACTGGCTGTTCTCTCCCAATTACCTGTTTTCCTGTCCACAGCG[G>T]AAAGGGCTTCAGGATGGAAGGAGAAAGGAGCTTCACGCGCCCCACTTTGTCCGTGAGTCC-3'
Protein context (NP_056240.2, residues 670-690): LLSPSILKPF[Pro680Thr]LWTGKQVVST